The following is an entry in ClinVar:

ClinVar aggregate classification (germline): Likely pathogenic (1 of 4 stars; one submission).

Conditions:
alpha Thalassemia. Also called: Alpha thalassemia spectrum. Identifiers: Orphanet 846, MedGen C0002312, MONDO:0011399, OMIM 604131.

Submission:

Natera, Inc.
Classification: Likely pathogenic for Alpha thalassemia. Last evaluated: 2025-07-28. Review status: criteria provided, single submitter. Criteria: Natera Variant Classification Schema (03/2026). Collection method: clinical testing. Allele origin: germline.
Comment: The c.427T>G variant in HBA1 is a stop-loss variant predicted to disrupt the normal termination codon and extend translation beyond the canonical stop site. This variant is rare in the general population with a frequency below the threshold expected for the associated phenotype(s). Multiple computational prediction algorithms suggest this variant is unlikely to affect gene or protein function. Given the available evidence, this variant is classified as Likely Pathogenic.

NM_000558.5(HBA1):c.427T>G (p.Ter143Glu)

Genes: HBA1 (hemoglobin subunit alpha 1; plus strand), LOC106804613 (hemoglobin subunit alpha 1 recombination region; plus strand). Cytogenetic location: 16p13.3.
Variant type: single nucleotide variant.
Coding change: c.427T>G on transcript NM_000558.5 (MANE Select); coding-DNA position 427, T replaced by G.
Protein change: p.Ter143Glu.
Molecular consequence: stop lost.
Genome position (GRCh38, 1-based): chr16:177,409, T>G. VCF-style: chr16-177409-T-G. GRCh37 (hg19) VCF-style: chr16-227408-T-G.
Identifiers: ClinVar variation 4814410 (VCV004814410.1).